The following is an entry in ClinVar:

ClinVar aggregate classification (germline): Uncertain significance. Review status: criteria provided, multiple submitters, no conflicts (2 of 4 stars). 2 submissions from 2 submitters: Uncertain significance (2). Last evaluated 2025-01-06.

Conditions:
Inborn genetic diseases. Identifiers: MedGen C0950123, MeSH D030342.

Allele frequency attached by ClinVar (database versions not stated): gnomAD exomes below 0.00001; ExAC 0.00001; gnomAD 0.00001; TOPMed 0.00002.
gnomAD v4.1: 3 of 1,614,050 alleles (0.00019%); highest among the groups gnomAD compares: African/African-American, 0.0027%; no homozygotes.

Submissions (2):

Ambry Genetics
Classification: Uncertain significance for Inborn genetic diseases. Last evaluated: 2025-01-06. Review status: criteria provided, single submitter. Criteria: Ambry Variant Classification Scheme 2023. Collection method: clinical testing. Allele origin: germline.
Comment: The p.A1041V variant (also known as c.3122C>T), located in coding exon 13 of the ASXL1 gene, results from a C to T substitution at nucleotide position 3122. The alanine at codon 1041 is replaced by valine, an amino acid with similar properties. This amino acid position is conserved. In addition, this alteration is predicted to be tolerated by in silico analysis. Based on the available evidence, the clinical significance of this variant remains unclear.

Labcorp Genetics (formerly Invitae), Labcorp
Classification: Uncertain significance. Last evaluated: 2021-12-03. Review status: criteria provided, single submitter. Criteria: Invitae Variant Classification Sherloc (09022015). Collection method: clinical testing. Allele origin: germline.
Comment: Algorithms developed to predict the effect of missense changes on protein structure and function (SIFT, PolyPhen-2, Align-GVGD) all suggest that this variant is likely to be tolerated. This sequence change replaces alanine, which is neutral and non-polar, with valine, which is neutral and non-polar, at codon 1041 of the ASXL1 protein (p.Ala1041Val). This variant is present in population databases (rs769951435, gnomAD 0.004%). This variant has not been reported in the literature in individuals affected with ASXL1-related conditions. In summary, the available evidence is currently insufficient to determine the role of this variant in disease. Therefore, it has been classified as a Variant of Uncertain Significance.

NM_015338.6(ASXL1):c.3122C>T (p.Ala1041Val)

Gene: ASXL1 (ASXL transcriptional regulator 1; plus strand). Cytogenetic location: 20q11.21.
Variant type: single nucleotide variant.
Coding change: c.3122C>T on transcript NM_015338.6 (MANE Select); coding-DNA position 3122, C replaced by T.
Protein change: p.Ala1041Val; replaces alanine 1041 with valine.
Molecular consequence: missense variant.
Genome position (GRCh38, 1-based): chr20:32,435,834, C>T. VCF-style: chr20-32435834-C-T. GRCh37 (hg19) VCF-style: chr20-31023637-C-T.
Other names: c.3122C>T (NM_015338.5); c.2939C>T, p.Ala980Val (NM_001363734.1); short protein forms A1041V, A980V.
Identifiers: ClinVar variation 1428803 (VCV001428803.9), dbSNP rs769951435, ClinGen allele CA9808762.